The following is an entry in ClinVar:

ClinVar aggregate classification (germline): Uncertain significance (1 of 4 stars; one submission).

Conditions:
Basal ganglia calcification, idiopathic, 7, autosomal recessive. Also called: PRIMARY FAMILIAL BRAIN CALCIFICATION 7, AUTOSOMAL RECESSIVE. Identifiers: MedGen C5193025, MONDO:0032673, OMIM 618317.

Allele frequency attached by ClinVar (database versions not stated): TOPMed 0.00001; gnomAD 0.00001; gnomAD exomes 0.00001.

Submission:

SIB Swiss Institute of Bioinformatics
Classification: Uncertain significance for Basal ganglia calcification, idiopathic, 7, autosomal recessive. Last evaluated: 2019-06-13. Review status: criteria provided, single submitter. Criteria: ACMG Guidelines, 2015. Collection method: curation. Allele origin: unknown.
Comment: This variant is interpreted as a variant of Uncertain significance for Basal ganglia calcification, idiopathic, 7, autosomal recessive. The following ACMG Tag(s) were applied: PM2, PP3.

Literature cited by the submitters: PubMed 31009047.

NM_020702.5(MYORG):c.1865T>C (p.Leu622Pro)

Gene: MYORG (myogenesis regulating glycosidase; minus strand). Cytogenetic location: 9p13.3.
Variant type: single nucleotide variant.
Coding change: c.1865T>C on transcript NM_020702.5 (MANE Select); coding-DNA position 1865, T replaced by C.
Protein change: p.Leu622Pro; replaces leucine 622 with proline.
Molecular consequence: missense variant.
Genome position (GRCh38, 1-based): chr9:34,371,079, A>G on the plus strand (T>C on the coding strand, the complement: MYORG is on the minus strand). VCF-style: chr9-34371079-A-G. GRCh37 (hg19) VCF-style: chr9-34371077-A-G.
Other names: short protein forms L622P.
Identifiers: ClinVar variation 692175 (VCV000692175.1), dbSNP rs1239594469, ClinGen allele CA373239788.
Genomic context (GRCh38, chr9:34,371,079, plus strand): 5'-GGCGCAATCCACCAAAGGGGGCGCACGATAGGGTCACCCGTGTCGGTGACCTCGCCCGCC[A>G]GCTCAAGCAACAGCGGTGCCACAAGCGAGGCCCGCAGGGCGGCGAACTTCTGCGCGATGG-3'
Protein context (NP_065753.2, residues 612-632): ASLVAPLLLE[Leu622Pro]AGEVTDTGDP